The following is an entry in ClinVar:

ClinVar aggregate classification (germline): Uncertain significance. Review status: criteria provided, multiple submitters, no conflicts (2 of 4 stars). 2 submissions from 2 submitters: Uncertain significance (2). Last evaluated 2026-07-30.

Conditions:
NEUROD1-related disorder. Also called: NEUROD1-related condition.

Allele frequency attached by ClinVar (database versions not stated): ExAC 0.00001; gnomAD 0.00001; gnomAD exomes 0.00001; TOPMed 0.00002.

Submissions (2):

PreventionGenetics, part of Exact Sciences
Classification: Uncertain significance for NEUROD1-related condition. Last evaluated: 2026-07-30. Review status: criteria provided, single submitter. Criteria: ACMG Guidelines, 2015. Collection method: clinical testing. Allele origin: germline.
Comment: The NEUROD1 c.130G>A variant is predicted to result in the amino acid substitution p.Glu44Lys. To our knowledge, this variant has not been reported in the literature. This variant is reported in 0.0018% of alleles in individuals of European (Non-Finnish) descent in gnomAD. At this time, the clinical significance of this variant is uncertain due to the absence of conclusive functional and genetic evidence.

Labcorp Genetics (formerly Invitae), Labcorp
Classification: Uncertain significance. Last evaluated: 2022-06-20. Review status: criteria provided, single submitter. Criteria: Invitae Variant Classification Sherloc (09022015). Collection method: clinical testing. Allele origin: germline.
Comment: Algorithms developed to predict the effect of missense changes on protein structure and function (SIFT, PolyPhen-2, Align-GVGD) all suggest that this variant is likely to be tolerated. In summary, the available evidence is currently insufficient to determine the role of this variant in disease. Therefore, it has been classified as a Variant of Uncertain Significance. This variant has not been reported in the literature in individuals affected with NEUROD1-related conditions. This sequence change replaces glutamic acid, which is acidic and polar, with lysine, which is basic and polar, at codon 44 of the NEUROD1 protein (p.Glu44Lys). This variant is present in population databases (rs748906439, gnomAD 0.002%). ClinVar contains an entry for this variant (Variation ID: 1002284).

NM_002500.5(NEUROD1):c.130G>A (p.Glu44Lys)

Gene: NEUROD1 (neuronal differentiation 1; minus strand). Cytogenetic location: 2q31.3.
Variant type: single nucleotide variant.
Coding change: c.130G>A on transcript NM_002500.5 (MANE Select); coding-DNA position 130, G replaced by A.
Protein change: p.Glu44Lys; replaces glutamic acid 44 with lysine.
Molecular consequence: missense variant.
Genome position (GRCh38, 1-based): chr2:181,678,731, C>T on the plus strand (G>A on the coding strand, the complement: NEUROD1 is on the minus strand). VCF-style: chr2-181678731-C-T. GRCh37 (hg19) VCF-style: chr2-182543458-C-T.
Other names: c.130G>A (NM_002500.4); short protein forms E44K.
Identifiers: ClinVar variation 1002284 (VCV001002284.9), dbSNP rs748906439, ClinGen allele CA2011181.